The following is an entry in ClinVar:

NM_000069.3(CACNA1S):c.3130TTC[1] (p.Phe1045del)

Gene: CACNA1S (calcium voltage-gated channel subunit alpha1 S; minus strand). Cytogenetic location: 1q32.1.
Variant type: Microsatellite.
Coding change: c.3130TTC[1] on transcript NM_000069.3 (MANE Select); one copy of the 3-base unit TTC starting at c.3130; the reference has two copies in a row; one copy, 3 bases deleted.
Protein change: p.Phe1045del; deletes phenylalanine 1045.
Molecular consequence: inframe deletion.
Genome position (GRCh38, 1-based): chr1:201,061,387-201,061,389, GAA deleted on the plus strand (TTC on the coding strand, the reverse complement: CACNA1S is on the minus strand); deleting any 3 consecutive bases within chr1:201,061,387-201,061,394 gives the same sequence; the position shown is the placement nearest the transcript's 3' end. VCF-style (leftmost placement, unchanged base first): chr1-201061386-TGAA-T. GRCh37 (hg19) VCF-style: chr1-201030514-TGAA-T.
Other names: short protein forms F1045del.
Identifiers: ClinVar variation 4282409 (VCV004282409.1).

ClinVar aggregate classification (germline): Uncertain significance (1 of 4 stars; one submission).

Submission:

GeneDx
Classification: Uncertain significance. Last evaluated: 2025-04-18. Review status: criteria provided, single submitter. Criteria: GeneDx Variant Classification Process June 2021. Collection method: clinical testing. Allele origin: germline. Affected: yes.
Comment: Not observed at significant frequency in large population cohorts (gnomAD); In-frame deletion of 1 amino acid in a non-repeat region; In silico analysis supports a deleterious effect on protein structure/function; Has not been previously published as pathogenic or benign to our knowledge